The following is an entry in ClinVar:

ClinVar aggregate classification (germline): Uncertain significance (1 of 4 stars; one submission).

Conditions:
Hereditary cancer-predisposing syndrome. Also called: Neoplastic Syndromes, Hereditary; Tumor predisposition; Hereditary Cancer Syndrome; Hereditary neoplastic syndrome. Identifiers: Orphanet 140162, MedGen C0027672, MeSH D009386, MONDO:0015356.

Submission:

Ambry Genetics
Classification: Uncertain significance for Hereditary cancer-predisposing syndrome. Last evaluated: 2026-05-15. Review status: criteria provided, single submitter. Criteria: Ambry Variant Classification Scheme 2023. Collection method: clinical testing. Allele origin: germline.
Comment: The p.K2106N variant (also known as c.6318A>C), located in coding exon 45 of the POLE gene, results from an A to C substitution at nucleotide position 6318. The lysine at codon 2106 is replaced by asparagine, an amino acid with similar properties. This amino acid position is conserved. In addition, this alteration is predicted to be tolerated by in silico analysis. Based on the available evidence, the clinical significance of this variant remains unclear.

NM_006231.4(POLE):c.6318A>C (p.Lys2106Asn)

Gene: POLE (DNA polymerase epsilon, catalytic subunit; minus strand). Cytogenetic location: 12q24.33.
Variant type: single nucleotide variant.
Coding change: c.6318A>C on transcript NM_006231.4 (MANE Select); coding-DNA position 6318, A replaced by C.
Protein change: p.Lys2106Asn; replaces lysine 2106 with asparagine.
Molecular consequence: missense variant.
Genome position (GRCh38, 1-based): chr12:132,632,327, T>G on the plus strand (A>C on the coding strand, the complement: POLE is on the minus strand). VCF-style: chr12-132632327-T-G. GRCh37 (hg19) VCF-style: chr12-133208913-T-G.
Other names: short protein forms K2106N.
Identifiers: ClinVar variation 4862316 (VCV004862316.1).